The following is an entry in ClinVar:

ClinVar aggregate classification (germline): Uncertain significance (1 of 4 stars; one submission).

Conditions:
Holocarboxylase synthetase deficiency. Also called: MULTIPLE CARBOXYLASE DEFICIENCY, EARLY ONSET. Identifiers: Orphanet 79242, MedGen C0268581, MONDO:0009666, OMIM 253270.

Allele frequency attached by ClinVar (database versions not stated): gnomAD exomes below 0.00001.
gnomAD v4.1: 1 of 1,614,144 alleles (0.000062%); highest among the groups gnomAD compares: Non-Finnish European, 0.000085%; no homozygotes.

Submission:

Labcorp Genetics (formerly Invitae), Labcorp
Classification: Uncertain significance for Holocarboxylase synthetase deficiency. Last evaluated: 2021-09-02. Review status: criteria provided, single submitter. Criteria: Invitae Variant Classification Sherloc (09022015). Collection method: clinical testing. Allele origin: germline.
Comment: This sequence change replaces histidine with arginine at codon 406 of the HLCS protein (p.His406Arg). The histidine residue is weakly conserved and there is a small physicochemical difference between histidine and arginine. This variant is not present in population databases (ExAC no frequency). This variant has not been reported in the literature in individuals affected with HLCS-related conditions. Algorithms developed to predict the effect of missense changes on protein structure and function output the following: SIFT: "Tolerated"; PolyPhen-2: "Benign"; Align-GVGD: "Class C0". The arginine amino acid residue is found in multiple mammalian species, which suggests that this missense change does not adversely affect protein function. In summary, the available evidence is currently insufficient to determine the role of this variant in disease. Therefore, it has been classified as a Variant of Uncertain Significance.

NM_001352514.2(HLCS):c.1658A>G (p.His553Arg)

Gene: HLCS (holocarboxylase synthetase; minus strand). Cytogenetic location: 21q22.13.
Variant type: single nucleotide variant.
Coding change: c.1658A>G on transcript NM_001352514.2 (MANE Select); coding-DNA position 1658, A replaced by G.
Protein change: p.His553Arg; replaces histidine 553 with arginine.
Molecular consequence: missense variant. On other transcripts: non-coding transcript variant (2).
Genome position (GRCh38, 1-based): chr21:36,897,094, T>C on the plus strand (A>G on the coding strand, the complement: HLCS is on the minus strand). VCF-style: chr21-36897094-T-C. GRCh37 (hg19) VCF-style: chr21-38269394-T-C.
Other names: c.1217A>G, p.His406Arg (NM_000411.8, NM_001242784.3, NM_001242785.2 and 4 more transcripts); short protein forms H406R, H553R.
Identifiers: ClinVar variation 1461914 (VCV001461914.5), dbSNP rs2146336242, ClinGen allele CA409966753.
Genomic context (GRCh38, chr21:36,897,094, plus strand): 5'-TAGGATGAAACAAATCTAAGAGAGAGCTGGCCGGATTTTATTTCTCCCTCGGAGTCCACA[T>C]GTTTCCCAAGCCACTGCATAAGAGGATCCCTGATTTCCTGTGTCATAAAGAAAGAAATGA-3'
Protein context (NP_001339443.1, residues 543-563): RDPLMQWLGK[His553Arg]VDSEGEIKSG